The following is an entry in ClinVar:

ClinVar aggregate classification (germline): Likely benign. Review status: criteria provided, multiple submitters, no conflicts (2 of 4 stars). 3 submissions from 3 submitters: Likely benign (3). Last evaluated 2024-10-22.

Conditions:
Auriculocondylar syndrome 2 (ARCND2A). Also called: AURICULOCONDYLAR SYNDROME 2A. Identifiers: Orphanet 137888, MedGen C3553404, MONDO:0013845, OMIM 614669.
Inborn genetic diseases. Identifiers: MedGen C0950123, MeSH D030342.
PLCB4-related disorder. Also called: PLCB4-related condition.

Allele frequency attached by ClinVar (database versions not stated): gnomAD exomes 0.00008; ExAC 0.00011; gnomAD 0.00017 and 0.00018; TOPMed 0.00018; ESP Exome Variant Server 0.00023.
gnomAD v4.1: 255 of 1,602,056 alleles (0.016%); highest among the groups gnomAD compares: Non-Finnish European, 0.018%; no homozygotes.

Submissions (3):

PreventionGenetics, part of Exact Sciences
Classification: Likely benign for PLCB4-related condition. Last evaluated: 2024-10-22. Review status: criteria provided, single submitter. Criteria: ACMG Guidelines, 2015. Collection method: clinical testing. Allele origin: germline.
Comment: This variant is classified as likely benign based on ACMG/AMP sequence variant interpretation guidelines (Richards et al. 2015 PMID: 25741868, with internal and published modifications).

Ambry Genetics
Classification: Likely benign for Inborn genetic diseases. Last evaluated: 2023-10-10. Review status: criteria provided, single submitter. Criteria: Ambry Variant Classification Scheme 2023. Collection method: clinical testing. Allele origin: germline.

Illumina Laboratory Services, Illumina
Classification: Likely benign for Auriculocondylar syndrome 2. Last evaluated: 2018-01-13. Review status: criteria provided, single submitter. Criteria: ICSL Variant Classification Criteria 13 December 2019. Collection method: clinical testing. Allele origin: germline.
Comment: This variant was observed in the ICSL laboratory as part of a predisposition screen in an ostensibly healthy population. It had not been previously curated by ICSL or reported in the Human Gene Mutation Database (HGMD: prior to June 1st, 2018), and was therefore a candidate for classification through an automated scoring system. Utilizing variant allele frequency, disease prevalence and penetrance estimates, and inheritance mode, an automated score was calculated to assess if this variant is too frequent to cause the disease. Based on the score and internal cut-off values, a variant classified as likely benign is not then subjected to further curation. The score for this variant resulted in a classification of likely benign for this disease.

NM_001377142.1(PLCB4):c.2046G>A (p.Ser682=)

Gene: PLCB4 (phospholipase C beta 4; plus strand). Cytogenetic location: 20p12.2.
Variant type: single nucleotide variant.
Coding change: c.2046G>A on transcript NM_001377142.1 (MANE Select); coding-DNA position 2046, G replaced by A.
Protein change: p.Ser682=; no amino-acid change (serine 682 retained).
Molecular consequence: synonymous variant.
Genome position (GRCh38, 1-based): chr20:9,411,083, G>A. VCF-style: chr20-9411083-G-A. GRCh37 (hg19) VCF-style: chr20-9391730-G-A.
Other names: c.2010G>A, p.Ser670= (NM_000933.4, NM_001377134.2, NM_001377135.1 and 2 more transcripts); c.2046G>A, p.Ser682= (NM_001172646.2, NM_001377143.1).
Identifiers: ClinVar variation 898856 (VCV000898856.6), dbSNP rs200584230, ClinGen allele CA9761279.